The following is an entry in ClinVar:

NM_007294.4(BRCA1):c.1789G>A (p.Glu597Lys)

Gene: BRCA1 (BRCA1 DNA repair associated; minus strand). Cytogenetic location: 17q21.31.
Variant type: single nucleotide variant.
Coding change: c.1789G>A on transcript NM_007294.4 (MANE Select); coding-DNA position 1789, G replaced by A.
Protein change: p.Glu597Lys; replaces glutamic acid 597 with lysine.
Molecular consequence: missense variant. On other transcripts: intron variant (137).
Genome position (GRCh38, 1-based): chr17:43,093,742, C>T on the plus strand (G>A on the coding strand, the complement: BRCA1 is on the minus strand). VCF-style: chr17-43093742-C-T. GRCh37 (hg19) VCF-style: chr17-41245759-C-T.
Other names: p.E597K:GAA>AAA; 1908G>A; c.664+1002G>A (NM_001408438.1, NM_001408430.1, NM_001408427.1 and 12 more transcripts); c.670+2104G>A (NM_001408423.1, NM_001408420.1, NM_001408419.1 and 2 more transcripts); c.787+1002G>A (NM_001408404.1, NM_001408472.1, NM_001407990.1 and 19 more transcripts); c.577+1002G>A (NM_001408492.1, NM_001408513.1, NM_001408489.1 and 9 more transcripts); c.643+1002G>A (NM_001408468.1, NM_001408465.1, NM_001408463.1 and 3 more transcripts); c.523+1002G>A (NM_001408501.1, NM_001408500.1, NM_001408497.1 and 3 more transcripts); and 42 more; short protein forms E597K, E550K, E301K, E527K, E469K, E470K, E508K, E530K.
Identifiers: ClinVar variation 41806 (VCV000041806.37), dbSNP rs55650082, ClinGen allele CA001160.

ClinVar aggregate classification (germline): Benign. Review status: reviewed by expert panel (3 of 4 stars). 20 submissions from 20 submitters: Benign (1). 19 of the submissions do not count toward it. Last evaluated 2015-08-10.

Conditions:
BRCA1-related disorder. Also called: BRCA1-related condition.
BRCA1-related cancer predisposition. Identifiers: MedGen CN377757, MONDO:0700268.
Breast and/or ovarian cancer. Identifiers: MedGen CN221562.
Hereditary cancer-predisposing syndrome. Also called: Tumor predisposition; Neoplastic Syndromes, Hereditary; Hereditary Cancer Syndrome; Hereditary neoplastic syndrome. Identifiers: Orphanet 140162, MedGen C0027672, MeSH D009386, MONDO:0015356.
Hereditary breast ovarian cancer syndrome. Also called: Hereditary breast and ovarian cancer syndrome (HBOC); Hereditary breast and ovarian cancer syndrome; Hereditary breast and ovarian cancer; Hereditary breast and/or ovarian cancer syndrome; Breast and ovarian cancer; BRCA1- and BRCA2-Associated Hereditary Breast and Ovarian Cancer. Identifiers: Orphanet 145, MedGen C0677776, MeSH D061325, MONDO:0003582. Disease mechanism: loss of function.
Breast-ovarian cancer, familial, susceptibility to, 1 (BROVCA1). Also called: OVARIAN CANCER, SUSCEPTIBILITY TO; BRCA1 Hereditary Breast and Ovarian Cancer. Identifiers: Orphanet 145, MedGen C2676676, MONDO:0011450, OMIM 604370. Disease mechanism: loss of function.
Malignant tumor of breast. Also called: Malignant breast neoplasm; Cancer breast. Identifiers: MedGen C0006142, MONDO:0007254. Disease mechanism: loss of function.

Allele frequency attached by ClinVar (database versions not stated): ExAC 0.00006; gnomAD exomes 0.00008; TOPMed 0.00015; gnomAD 0.00018 and 0.00019; ESP Exome Variant Server 0.00031.
gnomAD v4.1: 269 of 1,613,814 alleles (0.017%); highest among the groups gnomAD compares: Non-Finnish European, 0.02%; no homozygotes.

Submissions 1 to 17 of 20:

Evidence-based Network for the Interpretation of Germline Mutant Alleles (ENIGMA)
Classification: Benign for Breast-ovarian cancer, familial 1. Last evaluated: 2015-08-10. Review status: reviewed by expert panel. Criteria: ENIGMA BRCA1/2 Classification Criteria (2015). Collection method: curation. Allele origin: germline.
Comment: IARC class based on posterior probability from multifactorial likelihood analysis, thresholds for class as per Plon et al. 2008 (PMID: 18951446). Class 1 based on posterior probability = 0.0000000000692

Labcorp Genetics (formerly Invitae), Labcorp
Classification: Benign for Hereditary breast ovarian cancer syndrome. Last evaluated: 2026-01-28. Review status: criteria provided, single submitter. Criteria: Invitae Variant Classification Sherloc (09022015). Collection method: clinical testing. Allele origin: germline. Not counted in ClinVar's aggregate classification.

Quest Diagnostics Nichols Institute San Juan Capistrano
Classification: Likely benign. Last evaluated: 2025-07-07. Review status: criteria provided, single submitter. Criteria: Quest Diagnostics criteria. Collection method: clinical testing. Allele origin: unknown. Not counted in ClinVar's aggregate classification.

All of Us Research Program, National Institutes of Health
Classification: Likely benign for BRCA1-related cancer predisposition. Last evaluated: 2024-09-23. Review status: criteria provided, single submitter. Criteria: ACMG Guidelines, 2015. Collection method: clinical testing. Allele origin: germline. Inheritance: Autosomal dominant inheritance. Observed: 63 variant alleles, 63 heterozygotes. Not counted in ClinVar's aggregate classification.
Comment: This study involves interpretation of variants in research participants for the purpose of population health screening. Participant phenotype was not available at the time of variant classification. Additional details can be found in publication PMID: 35346344, PMCID: PMC8962531

ARUP Laboratories, Molecular Genetics and Genomics, ARUP Laboratories
Classification: Benign. Last evaluated: 2024-09-17. Review status: criteria provided, single submitter. Criteria: ARUP Molecular Germline Variant Investigation Process 2024. Collection method: clinical testing. Allele origin: germline. Not counted in ClinVar's aggregate classification.

Blueprint Genetics
Classification: Likely benign. Last evaluated: 2024-08-21. Review status: criteria provided, single submitter. Criteria: ACMG Guidelines, 2015. Collection method: clinical testing. Allele origin: germline. Not counted in ClinVar's aggregate classification.

Institute for Biomarker Research, Medical Diagnostic Laboratories, L.L.C.
Classification: Uncertain significance for Hereditary breast ovarian cancer syndrome. Last evaluated: 2023-06-15. Review status: criteria provided, single submitter. Criteria: ACMG Guidelines, 2015. Collection method: clinical testing. Allele origin: germline. Not counted in ClinVar's aggregate classification.

Sema4
Classification: Likely benign for Hereditary cancer-predisposing syndrome. Last evaluated: 2021-06-24. Review status: criteria provided, single submitter. Criteria: Sema4 Curation Guidelines. Collection method: curation. Allele origin: germline. Not counted in ClinVar's aggregate classification.

Women's Health and Genetics/Laboratory Corporation of America, LabCorp
Classification: Benign. Last evaluated: 2020-11-24. Review status: criteria provided, single submitter. Criteria: LabCorp Variant Classification Summary - May 2015. Collection method: clinical testing. Allele origin: germline. Not counted in ClinVar's aggregate classification.
Comment: Variant summary: BRCA1 c.1789G>A (p.Glu597Lys) results in a conservative amino acid change in the encoded protein sequence. Three of five in-silico tools predict a damaging effect of the variant on protein function. The variant allele was found at a frequency of 8.3e-05 in 252224 control chromosomes. This frequency is not significantly higher than expected for a pathogenic variant in BRCA1 causing Hereditary Breast And Ovarian Cancer Syndrome (8.3e-05 vs 0.001), allowing no conclusion about variant significance. c.1789G>A has been reported in the literature in individuals affected with breast and/or ovarian cancer (example, Judkins_2005, Lee_2008, Easton_2007, Borg_2010, Capanu_2011, Spearman_2008, Alsop_2012, Lu_2012, Maxwell_2014, Zhang_2015). These report(s) do not provide unequivocal conclusions about association of the variant with Hereditary Breast And Ovarian Cancer Syndrome. Multifactorial probability models predict a neutral outcome (Lindor_2012). At-least one co-occurrence with another pathogenic variant has been reported in the BIC database (BRCA2 c.6373_6374insA, p.Thr2125?fs), providing supporting evidence for a benign role. To our knowledge, no experimental evidence demonstrating an impact on protein function has been reported. Five clinical diagnostic laboratories and one expert panel (ENIGMA) have submitted clinical-significance assessments for this variant to ClinVar after 2014 without evidence for independent evaluation. All submitters classified the variant as benign/likely benign. Based on the evidence outlined above, the variant was classified as benign.

CHEO Genetics Diagnostic Laboratory, Children's Hospital of Eastern Ontario
Classification: Likely benign for Breast and/or ovarian cancer. Last evaluated: 2020-03-06. Review status: criteria provided, single submitter. Criteria: ACMG Guidelines, 2015. Collection method: clinical testing. Allele origin: germline. Not counted in ClinVar's aggregate classification.

GeneDx
Classification: Likely benign. Last evaluated: 2018-02-18. Review status: criteria provided, single submitter. Criteria: GeneDx Variant Classification (06012015). Collection method: clinical testing. Allele origin: germline. Affected: yes. Not counted in ClinVar's aggregate classification.
Comment: This variant is considered likely benign or benign based on one or more of the following criteria: it is a conservative change, it occurs at a poorly conserved position in the protein, it is predicted to be benign by multiple in silico algorithms, and/or has population frequency not consistent with disease.

Color Diagnostics, LLC DBA Color Health
Classification: Likely benign for Hereditary cancer-predisposing syndrome. Last evaluated: 2015-07-17. Review status: criteria provided, single submitter. Criteria: ACMG Guidelines, 2015. Collection method: clinical testing. Allele origin: germline. Not counted in ClinVar's aggregate classification.

Ambry Genetics
Classification: Benign for Hereditary cancer-predisposing syndrome. Last evaluated: 2014-11-18. Review status: criteria provided, single submitter. Criteria: Ambry Variant Classification Scheme 2023. Collection method: clinical testing. Allele origin: germline. Not counted in ClinVar's aggregate classification.

Breakthrough Genomics
Classification: Benign. Review status: criteria provided, single submitter. Criteria: ACMG Guidelines, 2015. Collection method: not provided. Allele origin: germline. Inheritance: Autosomal recessive inheritance. Affected: yes. Not counted in ClinVar's aggregate classification.

PreventionGenetics, part of Exact Sciences
Classification: Likely benign for BRCA1-related condition. Last evaluated: 2019-08-01. Review status: no assertion criteria provided. Collection method: clinical testing. Allele origin: germline. Not counted in ClinVar's aggregate classification.
Comment: This variant is classified as likely benign based on ACMG/AMP sequence variant interpretation guidelines (Richards et al. 2015 PMID: 25741868, with internal and published modifications).

Pathway Genomics
Classification: Likely benign for Breast-ovarian cancer, familial 1. Last evaluated: 2014-11-06. Review status: no assertion criteria provided. Collection method: clinical testing. Allele origin: germline. Not counted in ClinVar's aggregate classification.

Biesecker Lab/Clinical Genomics Section, National Institutes of Health
Classification: Uncertain significance. Last evaluated: 2012-07-13. Review status: no assertion criteria provided. Collection method: research. Allele origin: germline. Affected: no. Observed: 1 variant allele. Study: ClinSeq. Not counted in ClinVar's aggregate classification.
ClinVar note: Converted during submission from variant of unknown significance to Uncertain significance.